The following is an entry in ClinVar:

NM_015331.3(NCSTN):c.1803G>C (p.Glu601Asp)

Gene: NCSTN (nicastrin; plus strand). Cytogenetic location: 1q23.2.
Variant type: single nucleotide variant.
Coding change: c.1803G>C on transcript NM_015331.3 (MANE Select); coding-DNA position 1803, G replaced by C.
Protein change: p.Glu601Asp; replaces glutamic acid 601 with aspartic acid.
Molecular consequence: missense variant. On other transcripts: intron variant (1).
Genome position (GRCh38, 1-based): chr1:160,357,049, G>C. VCF-style: chr1-160357049-G-C. GRCh37 (hg19) VCF-style: chr1-160326839-G-C.
Other names: c.1803G>C (NM_015331.2); c.1743G>C, p.Glu581Asp (NM_001290184.2); c.1389G>C, p.Glu463Asp (NM_001290186.2); c.1794+295G>C (NM_001349729.2); short protein forms E581D, E463D, E601D.
Identifiers: ClinVar variation 3656879 (VCV003656879.3).

ClinVar aggregate classification (germline): Uncertain significance. Review status: criteria provided, multiple submitters, no conflicts (2 of 4 stars). 2 submissions from 2 submitters: Uncertain significance (2). Last evaluated 2025-10-30.

Conditions:
Inborn genetic diseases. Identifiers: MedGen C0950123, MeSH D030342.

gnomAD v4.1: 2 of 1,613,654 alleles (0.00012%); highest among the groups gnomAD compares: Non-Finnish European, 0.00017%; no homozygotes.

Submissions (2):

Labcorp Genetics (formerly Invitae), Labcorp
Classification: Uncertain significance. Last evaluated: 2025-10-30. Review status: criteria provided, single submitter. Criteria: Invitae Variant Classification Sherloc (09022015). Collection method: clinical testing. Allele origin: germline.
Comment: This sequence change replaces glutamic acid, which is acidic and polar, with aspartic acid, which is acidic and polar, at codon 601 of the NCSTN protein (p.Glu601Asp). This variant is not present in population databases (gnomAD no frequency). This variant has not been reported in the literature in individuals affected with NCSTN-related conditions. ClinVar contains an entry for this variant (Variation ID: 3656879). Invitae Evidence Modeling of protein sequence and biophysical properties (such as structural, functional, and spatial information, amino acid conservation, physicochemical variation, residue mobility, and thermodynamic stability) indicates that this missense variant is not expected to disrupt NCSTN protein function with a negative predictive value of 80%. In summary, the available evidence is currently insufficient to determine the role of this variant in disease. Therefore, it has been classified as a Variant of Uncertain Significance.

Ambry Genetics
Classification: Uncertain significance for Inborn genetic diseases. Last evaluated: 2025-10-17. Review status: criteria provided, single submitter. Criteria: Ambry Variant Classification Scheme 2023. Collection method: clinical testing. Allele origin: germline.